The following is an entry in ClinVar:

ClinVar aggregate classification (germline): Pathogenic. Review status: reviewed by expert panel (3 of 4 stars). 2 submissions from 2 submitters: Pathogenic (1). 1 of the submissions does not count toward it. Last evaluated 2017-12-15.

Conditions:
Breast-ovarian cancer, familial, susceptibility to, 1 (BROVCA1). Also called: BRCA1 Hereditary Breast and Ovarian Cancer; OVARIAN CANCER, SUSCEPTIBILITY TO. Identifiers: Orphanet 145, MedGen C2676676, MONDO:0011450, OMIM 604370. Disease mechanism: loss of function.
Familial cancer of breast. Also called: hereditary breast carcinoma; BREAST CANCER, FAMILIAL; Hereditary breast cancer. Identifiers: Orphanet 227535, MedGen C0346153, MONDO:0016419, OMIM 114480. Disease mechanism: loss of function.

Submissions (2):

Evidence-based Network for the Interpretation of Germline Mutant Alleles (ENIGMA)
Classification: Pathogenic for Breast-ovarian cancer, familial, susceptibility to, 1. Last evaluated: 2017-12-15. Review status: reviewed by expert panel. Criteria: ENIGMA BRCA1/2 Classification Criteria (2017-06-29). Collection method: curation. Allele origin: germline. Study: ENIGMA.
Comment: Variant allele predicted to encode a truncated non-functional protein.

ClinVar Staff, National Center for Biotechnology Information (NCBI)
No classification provided. Condition: Familial cancer of breast. Review status: no classification provided. Collection method: literature only. Allele origin: germline. Affected: yes. Not counted in ClinVar's aggregate classification.

Literature cited by the submitters: PubMed 19087709 (cited by ClinVar Staff, National Center for Biotechnology Information (NCBI)).

NM_007294.4(BRCA1):c.470_477del (p.Ser157fs)

Gene: BRCA1 (BRCA1 DNA repair associated; minus strand). Cytogenetic location: 17q21.31.
Variant type: Deletion.
Coding change: c.470_477del on transcript NM_007294.4 (MANE Select); coding-DNA positions 470 to 477, 8 bases deleted (CTAACCTT; older notation c.470_477delCTAACCTT).
Protein change: p.Ser157fs; shifts the reading frame from serine 157.
Molecular consequence: frameshift variant. On other transcripts: non-coding transcript variant (1).
Genome position (GRCh38, 1-based): chr17:43,099,845-43,099,852, AAGGTTAG deleted on the plus strand (CTAACCTT on the coding strand, the reverse complement: BRCA1 is on the minus strand); deleting any 8 consecutive bases within chr17:43,099,845-43,099,853 gives the same sequence; the c. name uses the placement nearest the transcript's 3' end. VCF-style (leftmost placement, unchanged base first): chr17-43099844-CAAGGTTAG-C. GRCh37 (hg19) VCF-style: chr17-41251861-CAAGGTTAG-C.
Other names: c.470_477delCTAACCTT (NM_007294.3); c.391_398delTCTAACCT, p.Ser131Trpfs (NM_001407657.1, NM_001407658.1, NM_001407663.1 and 12 more transcripts); c.388_395delTCTAACCT, p.Ser130Trpfs (NM_001407659.1, NM_001407660.1, NM_001407661.1 and 6 more transcripts); c.469_476delTCTAACCT, p.Ser157Trpfs (NM_001407664.1, NM_001407665.1, NM_001407666.1 and 95 more transcripts); c.466_473delTCTAACCT, p.Ser156Trpfs (NM_001407670.1, NM_001407671.1, NM_001407672.1 and 65 more transcripts); c.328_335delTCTAACCT, p.Ser110Trpfs (NM_001407692.1, NM_001407694.1, NM_001407695.1 and 60 more transcripts); c.325_332delTCTAACCT, p.Ser109Trpfs (NM_001407740.1, NM_001407741.1, NM_001407742.1 and 35 more transcripts); c.256_263delTCTAACCT, p.Ser86Trpfs (NM_001407853.1, NM_001407894.1, NM_001407895.1 and 18 more transcripts); and 7 more; short protein forms S157fs, S110fs.
Identifiers: ClinVar variation 55267 (VCV000055267.3), dbSNP rs397509190, ClinGen allele CA002986.